The following is an entry in ClinVar:

ClinVar aggregate classification (germline): Benign. Review status: criteria provided, multiple submitters, no conflicts (2 of 4 stars). 6 submissions from 6 submitters: Benign (5). 1 of the submissions does not count toward it. Last evaluated 2026-02-04.

Conditions:
Usher syndrome type 2C. Also called: Usher syndrome, type 2B; USHER SYNDROME, TYPE IIC. Identifiers: Orphanet 231178, Orphanet 886, MedGen C2931213, MONDO:0011558, OMIM 605472.

Allele frequency attached by ClinVar (database versions not stated): 1000 Genomes Project 0.06909; TOPMed 0.04554; ESP Exome Variant Server 0.04573; gnomAD 0.05655; 1000 Genomes Project 30x 0.06558.
gnomAD v4.1: 95,051 of 1,553,964 alleles (6.1%); highest among the groups gnomAD compares: East Asian, 13%; 3,387 homozygotes.

Submissions (6):

Labcorp Genetics (formerly Invitae), Labcorp
Classification: Benign. Last evaluated: 2026-02-04. Review status: criteria provided, single submitter. Criteria: Invitae Variant Classification Sherloc (09022015). Collection method: clinical testing. Allele origin: germline.

Mayo Clinic Laboratories, Mayo Clinic
Classification: Benign. Last evaluated: 2020-12-04. Review status: criteria provided, single submitter. Criteria: ACMG Guidelines, 2015. Collection method: clinical testing. Allele origin: germline. Observed: 22 variant alleles.

Illumina Laboratory Services, Illumina
Classification: Benign for Usher syndrome type 2C. Last evaluated: 2018-01-12. Review status: criteria provided, single submitter. Criteria: ICSL Variant Classification Criteria 13 December 2019. Collection method: clinical testing. Allele origin: germline.
Comment: This variant was observed in the ICSL laboratory as part of a predisposition screen in an ostensibly healthy population. It had not been previously curated by ICSL or reported in the Human Gene Mutation Database (HGMD: prior to June 1st, 2018), and was therefore a candidate for classification through an automated scoring system. Utilizing variant allele frequency, disease prevalence and penetrance estimates, and inheritance mode, an automated score was calculated to assess if this variant is too frequent to cause the disease. Based on the score and internal cut-off values, a variant classified as benign is not then subjected to further curation. The score for this variant resulted in a classification of benign for this disease.

GeneDx
Classification: Benign. Last evaluated: 2014-04-29. Review status: criteria provided, single submitter. Criteria: GeneDx Variant Classification (06012015). Collection method: clinical testing. Allele origin: germline. Affected: yes.
Comment: This variant is considered likely benign or benign based on one or more of the following criteria: it is a conservative change, it occurs at a poorly conserved position in the protein, it is predicted to be benign by multiple in silico algorithms, and/or has population frequency not consistent with disease.

Laboratory for Molecular Medicine, Mass General Brigham Personalized Medicine
Classification: Benign. Last evaluated: 2007-03-16. Review status: criteria provided, single submitter. Criteria: LMM Criteria. Collection method: clinical testing. Allele origin: germline. Observed: 246 variant alleles.

Genetic Services Laboratory, University of Chicago
Classification: Likely benign. Review status: no assertion criteria provided. Collection method: clinical testing. Allele origin: germline. Inheritance: Autosomal dominant inheritance. Not counted in ClinVar's aggregate classification.
Comment: Likely benign based on allele frequency in 1000 Genomes Project or ESP global frequency and its presence in a patient with a rare or unrelated disease phenotype. NOT Sanger confirmed

NM_032119.4(ADGRV1):c.8291C>T (p.Ser2764Leu)

Gene: ADGRV1 (adhesion G protein-coupled receptor V1; plus strand). Cytogenetic location: 5q14.3.
Variant type: single nucleotide variant.
Coding change: c.8291C>T on transcript NM_032119.4 (MANE Select); coding-DNA position 8291, C replaced by T.
Protein change: p.Ser2764Leu; replaces serine 2764 with leucine.
Molecular consequence: missense variant. On other transcripts: non-coding transcript variant (1).
Genome position (GRCh38, 1-based): chr5:90,704,393, C>T. VCF-style: chr5-90704393-C-T. GRCh37 (hg19) VCF-style: chr5-90000210-C-T.
Other names: p.S2764L:TCG>TTG; short protein forms S2764L.
Identifiers: ClinVar variation 46387 (VCV000046387.21), dbSNP rs16869016, ClinGen allele CA138238.